The following is an entry in ClinVar:

NM_003072.5(SMARCA4):c.2754T>G (p.Leu918=)

Gene: SMARCA4 (SWI/SNF related BAF chromatin remodeling complex subunit ATPase 4; plus strand). Cytogenetic location: 19p13.2.
Variant type: single nucleotide variant.
Coding change: c.2754T>G on transcript NM_003072.5 (MANE Select); coding-DNA position 2754, T replaced by G.
Protein change: p.Leu918=; no amino-acid change (leucine 918 retained).
Molecular consequence: synonymous variant. On other transcripts: non-coding transcript variant (1).
Genome position (GRCh38, 1-based): chr19:11,021,862, T>G. VCF-style: chr19-11021862-T-G. GRCh37 (hg19) VCF-style: chr19-11132538-T-G.
Other names: c.2754T>G, p.Leu918= (NM_001128844.3, NM_001128845.2, NM_001128846.2 and 4 more transcripts).
Identifiers: ClinVar variation 729398 (VCV000729398.21), dbSNP rs1600278806, ClinGen allele CA505743602.
Genomic context (GRCh38, chr19:11,021,862, plus strand): 5'-CACGCACTATGTGGCACCCCGCCGCCTGCTGCTGACGGGCACACCGCTGCAGAACAAGCT[T>G]CCCGAGCTCTGGGCGCTGCTCAACTTCCTGCTGCCCACCATCTTCAAGAGCTGCAGCACC-3'
Protein context (NP_003063.2, residues 908-928): LLTGTPLQNK[Leu918=]PELWALLNFL

ClinVar aggregate classification (germline): Likely benign. Review status: criteria provided, multiple submitters, no conflicts (2 of 4 stars). 4 submissions from 4 submitters: Likely benign (3). 1 of the submissions does not count toward it. Last evaluated 2025-08-01.

Conditions:
Rhabdoid tumor predisposition syndrome 2 (RTPS2). Identifiers: Orphanet 231108, Orphanet 69077, MedGen C2750074, MONDO:0013224, OMIM 613325.
SMARCA4-related disorder. Also called: SMARCA4-related condition.
Hereditary cancer-predisposing syndrome. Also called: Hereditary Cancer Syndrome; Neoplastic Syndromes, Hereditary; Hereditary neoplastic syndrome; Tumor predisposition. Identifiers: Orphanet 140162, MedGen C0027672, MeSH D009386, MONDO:0015356.

Submissions (4):

CeGaT Center for Human Genetics Tuebingen
Classification: Likely benign. Last evaluated: 2025-08-01. Review status: criteria provided, single submitter. Criteria: CeGaT Center For Human Genetics Tuebingen Variant Classification Criteria Version 2. Collection method: clinical testing. Allele origin: germline. Affected: yes. Observed: 1 variant allele.
Comment: SMARCA4: PM2:Supporting, BP4, BP7

Labcorp Genetics (formerly Invitae), Labcorp
Classification: Likely benign for Rhabdoid tumor predisposition syndrome 2. Last evaluated: 2025-02-23. Review status: criteria provided, single submitter. Criteria: Invitae Variant Classification Sherloc (09022015). Collection method: clinical testing. Allele origin: germline.

Ambry Genetics
Classification: Likely benign for Hereditary cancer-predisposing syndrome. Last evaluated: 2023-07-08. Review status: criteria provided, single submitter. Criteria: Ambry Variant Classification Scheme 2023. Collection method: clinical testing. Allele origin: germline.

PreventionGenetics, part of Exact Sciences
Classification: Likely benign for SMARCA4-related condition. Last evaluated: 2024-08-07. Review status: no assertion criteria provided. Collection method: clinical testing. Allele origin: germline. Not counted in ClinVar's aggregate classification.
Comment: This variant is classified as likely benign based on ACMG/AMP sequence variant interpretation guidelines (Richards et al. 2015 PMID: 25741868, with internal and published modifications).